The following is an entry in ClinVar:

NM_052947.4(ALPK2):c.6019G>A (p.Glu2007Lys)

Gene: ALPK2 (alpha kinase 2; minus strand). Cytogenetic location: 18q21.31.
Variant type: single nucleotide variant.
Coding change: c.6019G>A on transcript NM_052947.4 (MANE Select); coding-DNA position 6019, G replaced by A.
Protein change: p.Glu2007Lys; replaces glutamic acid 2007 with lysine.
Molecular consequence: missense variant.
Genome position (GRCh38, 1-based): chr18:58,515,003, C>T on the plus strand (G>A on the coding strand, the complement: ALPK2 is on the minus strand). VCF-style: chr18-58515003-C-T. GRCh37 (hg19) VCF-style: chr18-56182235-C-T.
Other names: short protein forms E2007K.
Identifiers: ClinVar variation 1751104 (VCV001751104.2), dbSNP rs1482114339, ClinGen allele CA402546167.

ClinVar aggregate classification (germline): Uncertain significance (1 of 4 stars; one submission).

Submission:

Ambry Genetics
Classification: Uncertain significance. Last evaluated: 2021-09-16. Review status: criteria provided, single submitter. Criteria: Ambry Variant Classification Scheme 2023. Collection method: clinical testing. Allele origin: germline.
Comment: The p.E2007K variant (also known as c.6019G>A), located in coding exon 9 of the ALPK2 gene, results from a G to A substitution at nucleotide position 6019. The glutamic acid at codon 2007 is replaced by lysine, an amino acid with similar properties. This amino acid position is conserved. In addition, this alteration is predicted to be tolerated by in silico analysis. Since supporting evidence is limited at this time, the clinical significance of this alteration remains unclear.